The following is an entry in ClinVar:

ClinVar aggregate classification (germline): Uncertain significance (1 of 4 stars; one submission).

Allele frequency attached by ClinVar (database versions not stated): 1000 Genomes Project 30x 0.00016.

Submission:

Labcorp Genetics (formerly Invitae), Labcorp
Classification: Uncertain significance. Last evaluated: 2022-04-12. Review status: criteria provided, single submitter. Criteria: Invitae Variant Classification Sherloc (09022015). Collection method: clinical testing. Allele origin: germline.
Comment: This variant has not been reported in the literature in individuals affected with FOXC2-related conditions. Algorithms developed to predict the effect of missense changes on protein structure and function output the following: SIFT: "Tolerated"; PolyPhen-2: "Benign"; Align-GVGD: "Class C0". The threonine amino acid residue is found in multiple mammalian species, which suggests that this missense change does not adversely affect protein function. In summary, the available evidence is currently insufficient to determine the role of this variant in disease. Therefore, it has been classified as a Variant of Uncertain Significance. This variant is not present in population databases (gnomAD no frequency). This sequence change replaces alanine, which is neutral and non-polar, with threonine, which is neutral and polar, at codon 294 of the FOXC2 protein (p.Ala294Thr).

NM_005251.3(FOXC2):c.880G>A (p.Ala294Thr)

Gene: FOXC2 (forkhead box C2; plus strand). Cytogenetic location: 16q24.1.
Variant type: single nucleotide variant.
Coding change: c.880G>A on transcript NM_005251.3 (MANE Select); coding-DNA position 880, G replaced by A.
Protein change: p.Ala294Thr; replaces alanine 294 with threonine.
Molecular consequence: missense variant.
Genome position (GRCh38, 1-based): chr16:86,568,215, G>A. VCF-style: chr16-86568215-G-A. GRCh37 (hg19) VCF-style: chr16-86601821-G-A.
Other names: short protein forms A294T.
Identifiers: ClinVar variation 2415935 (VCV002415935.6), dbSNP rs1974227479, ClinGen allele CA397008994.